The following is an entry in ClinVar:

ClinVar aggregate classification (germline): Likely benign (1 of 4 stars; one submission).

Submission:

CeGaT Center for Human Genetics Tuebingen
Classification: Likely benign. Last evaluated: 2026-01-01. Review status: criteria provided, single submitter. Criteria: CeGaT Center For Human Genetics Tuebingen Variant Classification Criteria Version 2. Collection method: clinical testing. Allele origin: germline. Affected: yes. Observed: 1 variant allele.
Comment: MUC4: BP4, BP7

NM_018406.7(MUC4):c.9285C>A (p.Ser3095=)

Gene: MUC4 (mucin 4, cell surface associated). Cytogenetic location: 3q29.
Variant type: single nucleotide variant.
Coding change: c.9285C>A on transcript NM_018406.7 (MANE Select); coding-DNA position 9285, C replaced by A.
Protein change: p.Ser3095=; no amino-acid change (serine 3095 retained).
Molecular consequence: synonymous variant. On other transcripts: intron variant (2).
Genome position (GRCh38, 1-based): chr3:195,782,295, G>T on the plus strand (C>A on the coding strand, the complement: MUC4 is on the minus strand). VCF-style: chr3-195782295-G-T. GRCh37 (hg19) VCF-style: chr3-195509166-G-T.
Other names: c.83-7990C>A (NM_138297.5); c.83-3840C>A (NM_004532.6).
Identifiers: ClinVar variation 4821264 (VCV004821264.4).
Genomic context (GRCh38, chr3:195,782,295, plus strand): 5'-TGTGGATGCTGAGGAAGGGCTAGTGACAGGAAGAGGCGTGGTGTCACCTGTGGATACTGA[G>T]GAAAGGCTGGTGACAGGAAGAGGGGTGGCGTGACCTGTGGATGCTGAGGAAGTGTCGGTG-3'
Protein context (NP_060876.5, residues 3085-3105): HATPLPVTSL[Ser3095=]SVSTGDTTPL